The following is an entry in ClinVar:

ClinVar aggregate classification (germline): Uncertain significance (1 of 4 stars; one submission).

gnomAD v4.1: 2 of 1,611,522 alleles (0.00012%); highest among the groups gnomAD compares: Non-Finnish European, 0.00017%; no homozygotes.

Submission:

GeneDx
Classification: Uncertain significance. Last evaluated: 2024-03-04. Review status: criteria provided, single submitter. Criteria: GeneDx Variant Classification Process June 2021. Collection method: clinical testing. Allele origin: germline. Affected: yes.
Comment: Not observed at significant frequency in large population cohorts (gnomAD); In silico analysis supports that this missense variant does not alter protein structure/function; Has not been previously published as pathogenic or benign to our knowledge

NM_007327.4(GRIN1):c.2070T>G (p.Asp690Glu)

Gene: GRIN1 (glutamate ionotropic receptor NMDA type subunit 1; plus strand). Cytogenetic location: 9q34.3.
Variant type: single nucleotide variant.
Coding change: c.2070T>G on transcript NM_007327.4 (MANE Select); coding-DNA position 2070, T replaced by G.
Protein change: p.Asp690Glu; replaces aspartic acid 690 with glutamic acid.
Molecular consequence: missense variant.
Genome position (GRCh38, 1-based): chr9:137,162,902, T>G. VCF-style: chr9-137162902-T-G. GRCh37 (hg19) VCF-style: chr9-140057354-T-G.
Other names: c.2070T>G, p.Asp690Glu (NM_000832.7, NM_021569.4); c.2133T>G, p.Asp711Glu (NM_001185090.2, NM_001185091.2); short protein forms D690E, D711E.
Identifiers: ClinVar variation 3369797 (VCV003369797.1).